The following is an entry in ClinVar:

ClinVar aggregate classification (germline): Pathogenic. Review status: criteria provided, multiple submitters, no conflicts (2 of 4 stars). 3 submissions from 3 submitters: Pathogenic (3). Last evaluated 2026-01-26.

Conditions:
Progressive external ophthalmoplegia with mitochondrial DNA deletions, autosomal dominant 1 (PEOA1). Also called: Autosomal Dominant Progressive External Ophthalmoplegia (adPEO); PROGRESSIVE EXTERNAL OPHTHALMOPLEGIA, AUTOSOMAL DOMINANT 1. Identifiers: MedGen C1834846, MONDO:0024528, OMIM 157640.
Progressive sclerosing poliodystrophy (MTDPS4A). Also called: Alpers-Huttenlocher Syndrome (AHS); Alpers Syndrome; ALPERS PROGRESSIVE INFANTILE POLIODYSTROPHY; Mitochondrial DNA depletion syndrome 4A (Alpers type); ALPERS DIFFUSE DEGENERATION OF CEREBRAL GRAY MATTER WITH HEPATIC CIRRHOSIS; Alpers-Huttenlocher Syndrome. Identifiers: Orphanet 726, MedGen C0205710, MONDO:0008758, OMIM 203700.
Mitochondrial DNA depletion syndrome 4b. Also called: Mitochondrial Neurogastrointestinal Encephalopathy Disease, POLG-Related; MNGIE, POLG-RELATED. Identifiers: Orphanet 298, MedGen C3150914, MONDO:0013350, OMIM 613662.
Sensory ataxic neuropathy, dysarthria, and ophthalmoparesis (SANDO). Also called: Ataxia Neuropathy Spectrum (ANS); Sensory ataxic neuropathy-dysarthria-ophthalmoparesis syndrome; SENSORY ATAXIC NEUROPATHY WITH MITOCHONDRIAL DNA DELETIONS, AUTOSOMAL RECESSIVE; Epilepsy, progressive myoclonic, type 5. Identifiers: Orphanet 70595, MedGen C1843851, MONDO:0011835, OMIM 607459.
Progressive external ophthalmoplegia with mitochondrial DNA deletions, autosomal recessive 1 (PEOB1). Also called: Progressive external ophthalmoplegia, autosomal recessive 1; Autosomal Recessive Progressive External Ophthalmoplegia (arPEO). Identifiers: Orphanet 254886, MedGen C4225153, MONDO:0009783, OMIM 258450.

Submissions (3):

Labcorp Genetics (formerly Invitae), Labcorp
Classification: Pathogenic for Progressive sclerosing poliodystrophy. Last evaluated: 2026-01-26. Review status: criteria provided, single submitter. Criteria: Invitae Variant Classification Sherloc (09022015). Collection method: clinical testing. Allele origin: germline.
Comment: This sequence change creates a premature translational stop signal (p.Asp892Glyfs*39) in the POLG gene. It is expected to result in an absent or disrupted protein product. Loss-of-function variants in POLG are known to be pathogenic (PMID: 18546365). This variant is not present in population databases (gnomAD no frequency). This premature translational stop signal has been observed in individual(s) with clinical features of POLG-related conditions (PMID: 21880868). ClinVar contains an entry for this variant (Variation ID: 619306). For these reasons, this variant has been classified as Pathogenic.

Fulgent Genetics
Classification: Pathogenic for Progressive external ophthalmoplegia with mitochondrial DNA deletions, autosomal dominant 1; Progressive sclerosing poliodystrophy; Progressive external ophthalmoplegia with mitochondrial DNA deletions, autosomal recessive 1; Sensory ataxic neuropathy, dysarthria, and ophthalmoparesis; Mitochondrial DNA depletion syndrome 4b. Last evaluated: 2024-03-06. Review status: criteria provided, single submitter. Criteria: ACMG Guidelines, 2015. Collection method: clinical testing. Allele origin: germline.

Wong Mito Lab, Molecular and Human Genetics, Baylor College of Medicine
Classification: Pathogenic for Progressive sclerosing poliodystrophy. Last evaluated: 2018-10-01. Review status: criteria provided, single submitter. Criteria: ACMG Guidelines, 2015. Collection method: clinical testing. Allele origin: germline.
Comment: The NM_002693.2:c.2674dup (NP_002684.1:p.Asp892GlyfsTer?) [GRCH38: NC_000015.10:g.89321186dup] variant in POLG gene is interpretated to be a Pathogenic based on ACMG guidelines (PMID: 25741868). This variant meets the following evidence codes reported in the ACMG-guideline. PVS1:This variant is a predicted null variant in POLG where loss of function is a known mechanism of disease. PM2:This variant is absent in key population databases. PM3:Detected in trans with a pathogenic variant for Mitochondrial DNA depletion syndrome 4A (Alpers type) which is a recessive disorder. PM4:This variant causes alteration in the length of expressed protein. PP1:This variant is co-segregated with Mitochondrial DNA depletion syndrome 4A (Alpers type) in multiple affected family members. PP4:Patient's phenotype or family history is highly specific for POLG. Based on the evidence criteria codes applied, the variant is suggested to be Pathogenic.

Literature cited by the submitters: PubMed 18546365 (cited by Labcorp Genetics (formerly Invitae), Labcorp); PubMed 21880868 (cited by Labcorp Genetics (formerly Invitae), Labcorp).

NM_002693.3(POLG):c.2674dup (p.Asp892fs)

Gene: POLG (DNA polymerase gamma, catalytic subunit; minus strand). Cytogenetic location: 15q26.1.
Variant type: Duplication.
Coding change: c.2674dup on transcript NM_002693.3 (MANE Select); coding-DNA position 2674, one base duplicated (G; older notation c.2674dupG).
Protein change: p.Asp892fs; shifts the reading frame from aspartic acid 892.
Molecular consequence: frameshift variant.
Genome position (GRCh38, 1-based): chr15:89,321,185, C duplicated on the plus strand (G on the coding strand, the reverse complement: POLG is on the minus strand); the first of 2 consecutive C bases (chr15:89,321,185-89,321,186); duplicating either gives the same sequence. VCF-style (leftmost placement, unchanged base first): chr15-89321184-T-TC. GRCh37 (hg19) VCF-style: chr15-89864415-T-TC.
Other names: c.2674dup, p.Asp892fs (NM_001126131.2); short protein forms D892fs.
Identifiers: ClinVar variation 619306 (VCV000619306.7), dbSNP rs1283198587, ClinGen allele CA10602239.